The following is an entry in ClinVar:

ClinVar aggregate classification (germline): Uncertain significance. Review status: criteria provided, multiple submitters, no conflicts (2 of 4 stars). 2 submissions from 2 submitters: Uncertain significance (2). Last evaluated 2022-12-21.

Conditions:
Developmental and epileptic encephalopathy, 9 (DEE9). Also called: Early infantile epileptic encephalopathy 9; EPILEPSY, FEMALE-RESTRICTED, WITH MENTAL RETARDATION; PCDH19-Related X-Linked Female-Limited Epilepsy with Mental Retardation; JUBERG-HELLMAN SYNDROME. Identifiers: Orphanet 101039, Orphanet 2076, MedGen C1848137, MONDO:0010246, OMIM 300088. Disease mechanism: loss of function.

Submissions (2):

GeneDx
Classification: Uncertain significance. Last evaluated: 2022-12-21. Review status: criteria provided, single submitter. Criteria: GeneDx Variant Classification Process June 2021. Collection method: clinical testing. Allele origin: germline. Affected: yes.
Comment: Not observed at significant frequency in large population cohorts (gnomAD); Missense variants in this gene are often considered pathogenic (HGMD); In silico analysis supports that this missense variant has a deleterious effect on protein structure/function; Has not been previously published as pathogenic or benign to our knowledge

Labcorp Genetics (formerly Invitae), Labcorp
Classification: Uncertain significance for Developmental and epileptic encephalopathy, 9. Last evaluated: 2022-12-14. Review status: criteria provided, single submitter. Criteria: Invitae Variant Classification Sherloc (09022015). Collection method: clinical testing. Allele origin: germline.
Comment: In summary, the available evidence is currently insufficient to determine the role of this variant in disease. Therefore, it has been classified as a Variant of Uncertain Significance. Advanced modeling of protein sequence and biophysical properties (such as structural, functional, and spatial information, amino acid conservation, physicochemical variation, residue mobility, and thermodynamic stability) performed at Invitae indicates that this missense variant is not expected to disrupt PCDH19 protein function. This variant has not been reported in the literature in individuals affected with PCDH19-related conditions. This variant is not present in population databases (gnomAD no frequency). This sequence change replaces proline, which is neutral and non-polar, with alanine, which is neutral and non-polar, at codon 364 of the PCDH19 protein (p.Pro364Ala).

NM_001184880.2(PCDH19):c.1090C>G (p.Pro364Ala)

Gene: PCDH19 (protocadherin 19; minus strand). Cytogenetic location: Xq22.1.
Variant type: single nucleotide variant.
Coding change: c.1090C>G on transcript NM_001184880.2 (MANE Select); coding-DNA position 1090, C replaced by G.
Protein change: p.Pro364Ala; replaces proline 364 with alanine.
Molecular consequence: missense variant.
Genome position (GRCh38, 1-based): chrX:100,407,508, G>C on the plus strand (C>G on the coding strand, the complement: PCDH19 is on the minus strand). VCF-style: chrX-100407508-G-C. GRCh37 (hg19) VCF-style: chrX-99662506-G-C.
Other names: c.1090C>G, p.Pro364Ala (NM_001105243.2, NM_020766.3); short protein forms P364A.
Identifiers: ClinVar variation 2506705 (VCV002506705.4), dbSNP rs2520986075, ClinGen allele CA414004306.
Genomic context (GRCh38, chrX:100,407,508, plus strand): 5'-CACGTCCATTGAGGCCTGAGTCGCGATCAGACACCCGCACCAAGGCGATCACGTAGCCCG[G>C]GGGGGCGCTCTCGCTGACCTCCACAAGCTCACTGTTGACTGACAGCAGGTTGATGACCGG-3'
Protein context (NP_001171809.1, residues 354-374): ELVEVSESAP[Pro364Ala]GYVIALVRVS